The following is an entry in ClinVar:

NM_014862.4(ARNT2):c.1559A>G (p.Gln520Arg)

Gene: ARNT2 (aryl hydrocarbon receptor nuclear translocator 2; plus strand). Cytogenetic location: 15q25.1.
Variant type: single nucleotide variant.
Coding change: c.1559A>G on transcript NM_014862.4 (MANE Select); coding-DNA position 1559, A replaced by G.
Protein change: p.Gln520Arg; replaces glutamine 520 with arginine.
Molecular consequence: missense variant.
Genome position (GRCh38, 1-based): chr15:80,576,911, A>G. VCF-style: chr15-80576911-A-G. GRCh37 (hg19) VCF-style: chr15-80869252-A-G.
Other names: short protein forms Q520R.
Identifiers: ClinVar variation 3786595 (VCV003786595.2).

ClinVar aggregate classification (germline): Uncertain significance. Review status: criteria provided, multiple submitters, no conflicts (2 of 4 stars). 2 submissions from 2 submitters: Uncertain significance (2). Last evaluated 2025-10-22.

gnomAD v4.1: 67 of 1,614,050 alleles (0.0042%); highest among the groups gnomAD compares: Middle Eastern, 0.016%; no homozygotes.

Submissions (2):

Labcorp Genetics (formerly Invitae), Labcorp
Classification: Uncertain significance. Last evaluated: 2025-10-22. Review status: criteria provided, single submitter. Criteria: Invitae Variant Classification Sherloc (09022015). Collection method: clinical testing. Allele origin: germline.
Comment: This sequence change replaces glutamine, which is neutral and polar, with arginine, which is basic and polar, at codon 520 of the ARNT2 protein (p.Gln520Arg). This variant is present in population databases (rs747859238, gnomAD 0.006%). This variant has not been reported in the literature in individuals affected with ARNT2-related conditions. ClinVar contains an entry for this variant (Variation ID: 3786595). An algorithm developed to predict the effect of missense changes on protein structure and function (PolyPhen-2) suggests that this variant is likely to be tolerated. In summary, the available evidence is currently insufficient to determine the role of this variant in disease. Therefore, it has been classified as a Variant of Uncertain Significance.

Ambry Genetics
Classification: Uncertain significance. Last evaluated: 2025-02-19. Review status: criteria provided, single submitter. Criteria: Ambry Variant Classification Scheme 2023. Collection method: clinical testing. Allele origin: germline.